The following is an entry in ClinVar:

NM_001098816.3(TENM4):c.5543G>A (p.Arg1848His)

Gene: TENM4 (teneurin transmembrane protein 4; minus strand). Cytogenetic location: 11q14.1.
Variant type: single nucleotide variant.
Coding change: c.5543G>A on transcript NM_001098816.3 (MANE Select); coding-DNA position 5543, G replaced by A.
Protein change: p.Arg1848His; replaces arginine 1848 with histidine.
Molecular consequence: missense variant.
Genome position (GRCh38, 1-based): chr11:78,672,283, C>T on the plus strand (G>A on the coding strand, the complement: TENM4 is on the minus strand). VCF-style: chr11-78672283-C-T. GRCh37 (hg19) VCF-style: chr11-78383328-C-T.
Other names: short protein forms R1848H.
Identifiers: ClinVar variation 2389839 (VCV002389839.25), dbSNP rs369387606, ClinGen allele CA6206578.
Genomic context (GRCh38, chr11:78,672,283, plus strand): 5'-GCCTGGTCGTACAGAATCCGAAGGGTGAACTTGCGGTGGTCATCATAGATCTTCTCTGTG[C>T]GTGTTACGCGATCAAAGTCCAGAGATAGGAGATTTCGGTTGTGAACCTGGAGAAAGGGTT-3'
Protein context (NP_001092286.2, residues 1838-1858): LLSLDFDRVT[Arg1848His]TEKIYDDHRK

ClinVar aggregate classification (germline): Conflicting classifications of pathogenicity. Review status: criteria provided, conflicting classifications (1 of 4 stars). 2 submissions from 2 submitters: Uncertain significance (1); Likely benign (1). Last evaluated 2025-08-25.

Allele frequency attached by ClinVar (database versions not stated): gnomAD 0.00006; TOPMed 0.00006; gnomAD exomes 0.00007; ESP Exome Variant Server 0.00008; ExAC 0.00009.
gnomAD v4.1: 121 of 1,613,206 alleles (0.0075%); highest among the groups gnomAD compares: Non-Finnish European, 0.0084%; no homozygotes.

Submissions (2):

Ambry Genetics
Classification: Uncertain significance. Last evaluated: 2025-08-25. Review status: criteria provided, single submitter. Criteria: Ambry Variant Classification Scheme 2023. Collection method: clinical testing. Allele origin: germline.

CeGaT Center for Human Genetics Tuebingen
Classification: Likely benign. Last evaluated: 2024-02-01. Review status: criteria provided, single submitter. Criteria: CeGaT Center For Human Genetics Tuebingen Variant Classification Criteria Version 2. Collection method: clinical testing. Allele origin: germline. Affected: yes. Observed: 1 variant allele.
Comment: TENM4: PP3, BS1